The following is an entry in ClinVar:

ClinVar aggregate classification (germline): Likely pathogenic (1 of 4 stars; one submission).

Conditions:
Primary ciliary dyskinesia. Also called: Ciliary dyskinesia. Identifiers: Orphanet 244, MedGen C0008780, MONDO:0016575, HP:0012265.

Submission:

Department of Human Genetics, Hannover Medical School
Classification: Likely pathogenic for Primary Ciliary Dyskinesia. Last evaluated: 2026-04-01. Review status: criteria provided, single submitter. Criteria: ACMG Guidelines, 2015. Collection method: research. Allele origin: germline. Affected: no.
Comment: Classification performed by HerediClassify using the following criteria:['PM2_supporting: Variant occures does not occur as homozygous in gnomAD.', 'PVS1_splicing_very_strong: Transcript ENST00000244137 undergoes NMD.']

NM_000285.4(PEPD):c.201+1G>T

Gene: PEPD (peptidase D; minus strand). Cytogenetic location: 19q13.11.
Variant type: single nucleotide variant.
Coding change: c.201+1G>T on transcript NM_000285.4 (MANE Select); the canonical splice donor site of the intron after coding-DNA position 201, G replaced by T.
Molecular consequence: splice donor variant.
Genome position (GRCh38, 1-based): chr19:33,512,592, C>A on the plus strand (G>T on the coding strand, the complement: PEPD is on the minus strand). VCF-style: chr19-33512592-C-A. GRCh37 (hg19) VCF-style: chr19-34003498-C-A.
Other names: c.201+1G>T (NM_001166057.2, NM_001166056.2).
Identifiers: ClinVar variation 4880167 (VCV004880167.1).